The following is an entry in ClinVar:

ClinVar aggregate classification (germline): Uncertain significance (1 of 4 stars; one submission).

gnomAD v4.1: 15 of 1,613,830 alleles (0.00093%); highest among the groups gnomAD compares: Middle Eastern, 0.016%; no homozygotes.

Submission:

GeneDx
Classification: Uncertain significance. Last evaluated: 2020-06-18. Review status: criteria provided, single submitter. Criteria: GeneDx Variant Classification Process June 2021. Collection method: clinical testing. Allele origin: germline. Affected: yes.
Comment: In silico analysis, which includes protein predictors and evolutionary conservation, supports that this variant does not alter protein structure/function; Has not been previously published as pathogenic or benign to our knowledge; Not observed at a significant frequency]in large population cohorts (Lek et al., 2016)

NM_003748.4(ALDH4A1):c.1300G>T (p.Val434Leu)

Gene: ALDH4A1 (aldehyde dehydrogenase 4 family member A1; minus strand). Cytogenetic location: 1p36.13.
Variant type: single nucleotide variant.
Coding change: c.1300G>T on transcript NM_003748.4 (MANE Select); coding-DNA position 1300, G replaced by T.
Protein change: p.Val434Leu; replaces valine 434 with leucine.
Molecular consequence: missense variant. On other transcripts: intron variant (1).
Genome position (GRCh38, 1-based): chr1:18,876,353, C>A on the plus strand (G>T on the coding strand, the complement: ALDH4A1 is on the minus strand). VCF-style: chr1-18876353-C-A. GRCh37 (hg19) VCF-style: chr1-19202847-C-A.
Other names: c.1120G>T, p.Val374Leu (NM_001161504.2); c.1300G>T, p.Val434Leu (NM_170726.3); c.1186-850G>T (NM_001319218.2); short protein forms V374L, V434L.
Identifiers: ClinVar variation 1305276 (VCV001305276.2), dbSNP rs761669593, ClinGen allele CA646968.
Genomic context (GRCh38, chr1:18,876,353, plus strand): 5'-CCAGGCTGCCCACCCCAGTCACCTCCTTCATGATGGGCTCCTGAGGGTCCTTGCTCTCCA[C>A]GATGCAGGGCTCCACAAAGTAGCCCACGGAGTCATCACACTTGCCCCCGGCCAGGATGGT-3'
Protein context (NP_003739.2, residues 424-444): SVGYFVEPCI[Val434Leu]ESKDPQEPIM